The following is an entry in ClinVar:

NM_001371596.2(MFSD8):c.1495C>T (p.Leu499=)

Gene: MFSD8 (major facilitator superfamily domain containing 8; minus strand). Cytogenetic location: 4q28.2.
Variant type: single nucleotide variant.
Coding change: c.1495C>T on transcript NM_001371596.2 (MANE Select); coding-DNA position 1495, C replaced by T.
Protein change: p.Leu499=; no amino-acid change (leucine 499 retained).
Molecular consequence: synonymous variant. On other transcripts: 3 prime UTR variant (1).
Genome position (GRCh38, 1-based): chr4:127,920,692, G>A on the plus strand (C>T on the coding strand, the complement: MFSD8 is on the minus strand). VCF-style: chr4-127920692-G-A. GRCh37 (hg19) VCF-style: chr4-128841847-G-A.
Other names: c.1294C>T, p.Leu432= (NM_001363520.3); c.1180C>T, p.Leu394= (NM_001363521.3); c.1360C>T, p.Leu454= (NM_001371590.2); c.1504C>T, p.Leu502= (NM_001371591.2); c.1501C>T, p.Leu501= (NM_001371592.2); c.1381C>T, p.Leu461= (NM_001371593.2); c.1348C>T, p.Leu450= (NM_001371594.2); c.1213C>T, p.Leu405= (NM_001371595.1); and 3 more.
Identifiers: ClinVar variation 515214 (VCV000515214.8), dbSNP rs1553943451, ClinGen allele CA441209165.

ClinVar aggregate classification (germline): Likely benign. Review status: criteria provided, multiple submitters, no conflicts (2 of 4 stars). 2 submissions from 2 submitters: Likely benign (2). Last evaluated 2022-10-15.

Conditions:
Neuronal ceroid lipofuscinosis 7 (CLN7). Also called: MFSD8-Related Neuronal Ceroid-Lipofuscinosis. Identifiers: Orphanet 168491, Orphanet 228366, MedGen C1838571, MONDO:0012588, OMIM 610951.

Submissions (2):

Labcorp Genetics (formerly Invitae), Labcorp
Classification: Likely benign for Neuronal ceroid lipofuscinosis 7. Last evaluated: 2022-10-15. Review status: criteria provided, single submitter. Criteria: Invitae Variant Classification Sherloc (09022015). Collection method: clinical testing. Allele origin: germline.

GeneDx
Classification: Likely benign. Last evaluated: 2018-02-05. Review status: criteria provided, single submitter. Criteria: GeneDx Variant Classification (06012015). Collection method: clinical testing. Allele origin: germline. Affected: yes.
Comment: This variant is considered likely benign or benign based on one or more of the following criteria: it is a conservative change, it occurs at a poorly conserved position in the protein, it is predicted to be benign by multiple in silico algorithms, and/or has population frequency not consistent with disease.